The following is an entry in ClinVar:

ClinVar aggregate classification (germline): Likely benign (0 of 4 stars; one submission).

Conditions:
DYRK1B-related disorder. Also called: DYRK1B-related condition.

gnomAD v4.1: 10 of 1,611,210 alleles (0.00062%); highest among the groups gnomAD compares: African/African-American, 0.0027%; no homozygotes.

Submission:

PreventionGenetics, part of Exact Sciences
Classification: Likely benign for DYRK1B-related condition. Last evaluated: 2023-04-19. Review status: no assertion criteria provided. Collection method: clinical testing. Allele origin: germline.
Comment: This variant is classified as likely benign based on ACMG/AMP sequence variant interpretation guidelines (Richards et al. 2015 PMID: 25741868, with internal and published modifications).

NM_004714.3(DYRK1B):c.955-5C>T

Gene: DYRK1B (dual specificity tyrosine phosphorylation regulated kinase 1B; minus strand). Cytogenetic location: 19q13.2.
Variant type: single nucleotide variant.
Coding change: c.955-5C>T on transcript NM_004714.3 (MANE Select); 5 bases into the intron before coding-DNA position 955, C replaced by T.
Molecular consequence: intron variant.
Genome position (GRCh38, 1-based): chr19:39,827,430, G>A on the plus strand (C>T on the coding strand, the complement: DYRK1B is on the minus strand). VCF-style: chr19-39827430-G-A. GRCh37 (hg19) VCF-style: chr19-40318070-G-A.
Other names: c.955-5C>T (NM_006483.3, NM_006484.3).
Identifiers: ClinVar variation 3034966 (VCV003034966.2), dbSNP rs749686968, ClinGen allele CA633464903.